The following is an entry in ClinVar:

NM_006218.4(PIK3CA):c.386A>G (p.Asp129Gly)

Gene: PIK3CA (phosphatidylinositol-4,5-bisphosphate 3-kinase catalytic subunit alpha; plus strand). Cytogenetic location: 3q26.32.
Variant type: single nucleotide variant.
Coding change: c.386A>G on transcript NM_006218.4 (MANE Select); coding-DNA position 386, A replaced by G.
Protein change: p.Asp129Gly; replaces aspartic acid 129 with glycine.
Molecular consequence: missense variant.
Genome position (GRCh38, 1-based): chr3:179,199,723, A>G. VCF-style: chr3-179199723-A-G. GRCh37 (hg19) VCF-style: chr3-178917511-A-G.
Other names: c.386A>G (LRG_310t1); short protein forms D129G.
Identifiers: ClinVar variation 526634 (VCV000526634.11), dbSNP rs1553820490, ClinGen allele CA355273120.

ClinVar aggregate classification (germline): Uncertain significance. Review status: criteria provided, multiple submitters, no conflicts (2 of 4 stars). 2 submissions from 2 submitters: Uncertain significance (2). Last evaluated 2021-11-06.

Conditions:
Inborn genetic diseases. Identifiers: MedGen C0950123, MeSH D030342.
Cowden syndrome (CS). Also called: Cowden's disease; Cowden's syndrome; Cowden disease. Identifiers: Orphanet 201, MedGen C0018553, MONDO:0016063. Disease mechanism: gain of function.

Submissions (2):

Ambry Genetics
Classification: Uncertain significance for Inborn genetic diseases. Last evaluated: 2021-11-06. Review status: criteria provided, single submitter. Criteria: Ambry Variant Classification Scheme 2023. Collection method: clinical testing. Allele origin: germline.
Comment: The p.D129G variant (also known as c.386A>G), located in coding exon 2 of the PIK3CA gene, results from an A to G substitution at nucleotide position 386. The aspartic acid at codon 129 is replaced by glycine, an amino acid with similar properties. This amino acid position is conserved. In addition, the in silico prediction for this alteration is inconclusive. Since supporting evidence is limited at this time, the clinical significance of this alteration remains unclear.

Labcorp Genetics (formerly Invitae), Labcorp
Classification: Uncertain significance for Cowden syndrome. Last evaluated: 2017-11-08. Review status: criteria provided, single submitter. Criteria: Invitae Variant Classification Sherloc (09022015). Collection method: clinical testing. Allele origin: germline.
Comment: This variant has not been reported in the literature in individuals with PIK3CA-related disease. In summary, the available evidence is currently insufficient to determine the role of this variant in disease. Therefore, it has been classified as a Variant of Uncertain Significance. Algorithms developed to predict the effect of sequence changes on RNA splicing suggest that this variant may create or strengthen a splice site, but this prediction has not been confirmed by published transcriptional studies. Algorithms developed to predict the effect of missense changes on protein structure and function do not agree on the potential impact of this missense change (SIFT: "Deleterious"; PolyPhen-2: "Benign"; Align-GVGD: "Class C65"). This variant is not present in population databases (ExAC no frequency). This sequence change replaces aspartic acid with glycine at codon 129 of the PIK3CA protein (p.Asp129Gly). The aspartic acid residue is highly conserved and there is a moderate physicochemical difference between aspartic acid and glycine.